The following is an entry in ClinVar:

NM_004281.4(BAG3):c.853A>G (p.Thr285Ala)

Gene: BAG3 (BAG cochaperone 3; plus strand). Cytogenetic location: 10q26.11.
Variant type: single nucleotide variant.
Coding change: c.853A>G on transcript NM_004281.4 (MANE Select); coding-DNA position 853, A replaced by G.
Protein change: p.Thr285Ala; replaces threonine 285 with alanine.
Molecular consequence: missense variant.
Genome position (GRCh38, 1-based): chr10:119,672,600, A>G. VCF-style: chr10-119672600-A-G. GRCh37 (hg19) VCF-style: chr10-121432112-A-G.
Other names: short protein forms T285A.
Identifiers: ClinVar variation 2952776 (VCV002952776.3), dbSNP rs2494014679, ClinGen allele CA378295947.

ClinVar aggregate classification (germline): Uncertain significance (1 of 4 stars; one submission).

Conditions:
Dilated cardiomyopathy 1HH (CMD1HH). Identifiers: Orphanet 154, MedGen C3151293, MONDO:0013479, OMIM 613881.
Myofibrillar myopathy 6. Identifiers: Orphanet 199340, MedGen C2751831, MONDO:0013061, OMIM 612954.

Submission:

Labcorp Genetics (formerly Invitae), Labcorp
Classification: Uncertain significance for Dilated cardiomyopathy 1HH; Myofibrillar myopathy 6. Last evaluated: 2026-01-27. Review status: criteria provided, single submitter. Criteria: Invitae Variant Classification Sherloc (09022015). Collection method: clinical testing. Allele origin: germline.
Comment: This sequence change replaces threonine, which is neutral and polar, with alanine, which is neutral and non-polar, at codon 285 of the BAG3 protein (p.Thr285Ala). This variant is not present in population databases (gnomAD no frequency). This variant has not been reported in the literature in individuals affected with BAG3-related conditions. ClinVar contains an entry for this variant (Variation ID: 2952776). Invitae Evidence Modeling of protein sequence and biophysical properties (such as structural, functional, and spatial information, amino acid conservation, physicochemical variation, residue mobility, and thermodynamic stability) indicates that this missense variant is not expected to disrupt BAG3 protein function with a negative predictive value of 80%. In summary, the available evidence is currently insufficient to determine the role of this variant in disease. Therefore, it has been classified as a Variant of Uncertain Significance.